The following is an entry in ClinVar:

ClinVar aggregate classification (germline): Pathogenic. Review status: reviewed by expert panel (3 of 4 stars). 5 submissions from 5 submitters: Pathogenic (1). 4 of the submissions do not count toward it. Last evaluated 2016-10-18.

Conditions:
Hereditary cancer-predisposing syndrome. Also called: Hereditary Cancer Syndrome; Hereditary neoplastic syndrome; Neoplastic Syndromes, Hereditary; Tumor predisposition. Identifiers: Orphanet 140162, MedGen C0027672, MeSH D009386, MONDO:0015356.
Breast-ovarian cancer, familial, susceptibility to, 1 (BROVCA1). Also called: BRCA1 Hereditary Breast and Ovarian Cancer; OVARIAN CANCER, SUSCEPTIBILITY TO. Identifiers: Orphanet 145, MedGen C2676676, MONDO:0011450, OMIM 604370. Disease mechanism: loss of function.
Hereditary breast ovarian cancer syndrome. Also called: BRCA1- and BRCA2-Associated Hereditary Breast and Ovarian Cancer; Hereditary breast and ovarian cancer syndrome; Hereditary breast and ovarian cancer syndrome (HBOC); Breast and ovarian cancer; Hereditary breast and/or ovarian cancer syndrome; Hereditary breast and ovarian cancer. Identifiers: Orphanet 145, MedGen C0677776, MeSH D061325, MONDO:0003582. Disease mechanism: loss of function.

Submissions (5):

Evidence-based Network for the Interpretation of Germline Mutant Alleles (ENIGMA)
Classification: Pathogenic for Breast-ovarian cancer, familial, susceptibility to, 1. Last evaluated: 2016-10-18. Review status: reviewed by expert panel. Criteria: ENIGMA BRCA1/2 Classification Criteria (2015). Collection method: curation. Allele origin: germline.
Comment: Variant allele predicted to encode a truncated non-functional protein.

Labcorp Genetics (formerly Invitae), Labcorp
Classification: Pathogenic for Hereditary breast ovarian cancer syndrome. Last evaluated: 2025-01-27. Review status: criteria provided, single submitter. Criteria: Invitae Variant Classification Sherloc (09022015). Collection method: clinical testing. Allele origin: germline. Not counted in ClinVar's aggregate classification.
Comment: This sequence change creates a premature translational stop signal (p.Leu1414Profs*14) in the BRCA1 gene. It is expected to result in an absent or disrupted protein product. Loss-of-function variants in BRCA1 are known to be pathogenic (PMID: 20104584). This variant is not present in population databases (gnomAD no frequency). This premature translational stop signal has been observed in individual(s) with breast cancer (PMID: 22034289). This variant is also known as 4359insC. ClinVar contains an entry for this variant (Variation ID: 55149). For these reasons, this variant has been classified as Pathogenic.

Color Diagnostics, LLC DBA Color Health
Classification: Pathogenic for Hereditary cancer-predisposing syndrome. Last evaluated: 2020-01-15. Review status: criteria provided, single submitter. Criteria: ACMG Guidelines, 2015. Collection method: clinical testing. Allele origin: germline. Not counted in ClinVar's aggregate classification.
Comment: This variant inserts 1 nucleotide in exon 12 of the BRCA1 gene, creating a frameshift and premature translation stop signal. This variant is expected to result in an absent or non-functional protein product. This variant has not been identified in the general population by the Genome Aggregation Database (gnomAD). Loss of BRCA1 function is a known mechanism of disease. Based on the available evidence, this variant is classified as Pathogenic.

GeneDx
Classification: Pathogenic. Last evaluated: 2016-03-29. Review status: criteria provided, single submitter. Criteria: GeneDx Variant Classification (06012015). Collection method: clinical testing. Allele origin: germline. Affected: yes. Not counted in ClinVar's aggregate classification.
Comment: The c.4240dupC pathogenic variant in the BRCA1 gene has previously been reported in at least two individuals with breast cancer (Fackenthal et al., 2012). The c.4240dupC variant causes a frameshift starting with codon Leucine 1414, changes this amino acid to a Proline residue and creates a premature Stop codon at position 14 of the new reading frame, denoted p.Leu1414ProfsX14. This variant is predicted to cause loss of normal protein function either through protein truncation or nonsense-mediated mRNA decay. The c.4240dupC variant was not observed in approximately 6,500 individuals of European and African American ancestry in the NHLBI Exome Sequencing Project, indicating it is not a common benign variant in these populations. We interpret c.4240dupC as a pathogenic variant.

Consortium of Investigators of Modifiers of BRCA1/2 (CIMBA), c/o University of Cambridge
Classification: Pathogenic for Breast-ovarian cancer, familial, susceptibility to, 1. Last evaluated: 2015-10-02. Review status: criteria provided, single submitter. Criteria: CIMBA Mutation Classification guidelines May 2016. Collection method: clinical testing. Allele origin: germline. Not counted in ClinVar's aggregate classification.

Literature cited by the submitters: PubMed 20104584 (cited by Labcorp Genetics (formerly Invitae), Labcorp); PubMed 22034289 (cited by Labcorp Genetics (formerly Invitae), Labcorp).

NM_007294.4(BRCA1):c.4240dup (p.Leu1414fs)

Gene: BRCA1 (BRCA1 DNA repair associated; minus strand). Cytogenetic location: 17q21.31.
Variant type: Duplication.
Coding change: c.4240dup on transcript NM_007294.4 (MANE Select); coding-DNA position 4240, one base duplicated (C; older notation c.4240dupC).
Protein change: p.Leu1414fs; shifts the reading frame from leucine 1414.
Molecular consequence: frameshift variant. On other transcripts: non-coding transcript variant (1).
Genome position (GRCh38, 1-based): chr17:43,082,521, G duplicated on the plus strand (C on the coding strand, the reverse complement: BRCA1 is on the minus strand). VCF-style (leftmost placement, unchanged base first): chr17-43082520-A-AG. GRCh37 (hg19) VCF-style: chr17-41234537-A-AG.
Other names: 4359insC; c.4240dupC (NM_007294.3); c.4240dup, p.Leu1414Profs (NM_001407602.1, NM_001407603.1, NM_001407605.1 and 22 more transcripts); c.4237dup, p.Leu1413Profs (NM_001407610.1, NM_001407611.1, NM_001407612.1 and 21 more transcripts); c.4234dup, p.Leu1412Profs (NM_001407627.1, NM_001407628.1, NM_001407629.1 and 5 more transcripts); c.4027dup, p.Leu1343Profs (NM_001407571.1, NM_001407853.1, NM_001407894.1 and 12 more transcripts); c.4228dup, p.Leu1410Profs (NM_001407646.1, NM_001407647.1); c.4117dup, p.Leu1373Profs (NM_001407648.1, NM_001407664.1, NM_001407665.1 and 13 more transcripts); and 56 more; short protein forms L1414fs, L311fs, L1367fs.
Identifiers: ClinVar variation 55149 (VCV000055149.13), dbSNP rs397509154, ClinGen allele CA327921.
Genomic context (GRCh38, chr17:43,082,520, plus strand): 5'-CTTATGATGGAAGGGTAGCTGTTAGAAGGCTGGCTCCCATGCTGTTCTAACACAGCTTCT[A>AG]GTTCAGCCATTTCCTGCTGGAGCTTTATCAGGTTATGTTGCATGGTATCCCTCTGCTTCA-3'